The following is an entry in ClinVar:

ClinVar aggregate classification (germline): Uncertain significance (1 of 4 stars; one submission).

Allele frequency attached by ClinVar (database versions not stated): gnomAD 0.00002 and 0.00003; TOPMed 0.00002; 1000 Genomes Project 30x 0.00016; 1000 Genomes Project 0.00020.
gnomAD v4.1: 12 of 1,583,070 alleles (0.00076%); highest among the groups gnomAD compares: Admixed American, 0.015%; no homozygotes.

Submission:

Labcorp Genetics (formerly Invitae), Labcorp
Classification: Uncertain significance. Last evaluated: 2021-10-27. Review status: criteria provided, single submitter. Criteria: Invitae Variant Classification Sherloc (09022015). Collection method: clinical testing. Allele origin: germline.
Comment: This sequence change replaces aspartic acid, which is acidic and polar, with asparagine, which is neutral and polar, at codon 264 of the LAMC3 protein (p.Asp264Asn). This variant is present in population databases (rs184447346, gnomAD 0.02%). This missense change has been observed in individual(s) with autism spectrum disorder (PMID: 30564305). Algorithms developed to predict the effect of missense changes on protein structure and function are either unavailable or do not agree on the potential impact of this missense change (SIFT: "Deleterious"; PolyPhen-2: "Probably Damaging"; Align-GVGD: "Class C15"). In summary, the available evidence is currently insufficient to determine the role of this variant in disease. Therefore, it has been classified as a Variant of Uncertain Significance.

Literature cited by the submitters: PubMed 30564305.

NM_006059.4(LAMC3):c.790G>A (p.Asp264Asn)

Gene: LAMC3 (laminin subunit gamma 3; plus strand). Cytogenetic location: 9q34.12.
Variant type: single nucleotide variant.
Coding change: c.790G>A on transcript NM_006059.4 (MANE Select); coding-DNA position 790, G replaced by A.
Protein change: p.Asp264Asn; replaces aspartic acid 264 with asparagine.
Molecular consequence: missense variant.
Genome position (GRCh38, 1-based): chr9:131,032,156, G>A. VCF-style: chr9-131032156-G-A. GRCh37 (hg19) VCF-style: chr9-133907543-G-A.
Other names: short protein forms D264N.
Identifiers: ClinVar variation 1501951 (VCV001501951.3), dbSNP rs184447346, ClinGen allele CA5286807.